The following is an entry in ClinVar:

ClinVar aggregate classification (germline): Uncertain significance (1 of 4 stars; one submission).

Submission:

Athena Diagnostics
Classification: Uncertain significance. Last evaluated: 2023-07-07. Review status: criteria provided, single submitter. Criteria: Athena Diagnostics Criteria. Collection method: clinical testing. Allele origin: unknown.
Comment: Available data are insufficient to determine the clinical significance of the variant at this time. This variant has not been reported in large, multi-ethnic general populations. Computational tools predict that this variant is not damaging.

NM_182961.4(SYNE1):c.12569A>T (p.Asn4190Ile)

Gene: SYNE1 (spectrin repeat containing nuclear envelope protein 1; minus strand). Cytogenetic location: 6q25.2.
Variant type: single nucleotide variant.
Coding change: c.12569A>T on transcript NM_182961.4 (MANE Select); coding-DNA position 12569, A replaced by T.
Protein change: p.Asn4190Ile; replaces asparagine 4190 with isoleucine.
Molecular consequence: missense variant.
Genome position (GRCh38, 1-based): chr6:152,334,233, T>A on the plus strand (A>T on the coding strand, the complement: SYNE1 is on the minus strand). VCF-style: chr6-152334233-T-A. GRCh37 (hg19) VCF-style: chr6-152655368-T-A.
Other names: c.12356A>T, p.Asn4119Ile (NM_033071.5); short protein forms N4119I, N4190I.
Identifiers: ClinVar variation 2684029 (VCV002684029.1), dbSNP rs2485631592, ClinGen allele CA366106677.
Genomic context (GRCh38, chr6:152,334,233, plus strand): 5'-TCCTTGTGTTCAGGCGATTCCTCCTTCTTTGTTAACTTATTCACCTTTTCTATTATGGTG[T>A]TCACGGATGCCTGTTTGCTCTGTAGTTTCTTAACAAAATCCTAAAGGATAACAGCAACAA-3'
Protein context (NP_892006.3, residues 4180-4200): KKLQSKQASV[Asn4190Ile]TIIEKVNKLT